The following is an entry in ClinVar:

NM_018972.4(GDAP1):c.817C>G (p.Arg273Gly)

Gene: GDAP1 (ganglioside induced differentiation associated protein 1; plus strand). Cytogenetic location: 8q21.11.
Variant type: single nucleotide variant.
Coding change: c.817C>G on transcript NM_018972.4 (MANE Select); coding-DNA position 817, C replaced by G.
Protein change: p.Arg273Gly; replaces arginine 273 with glycine.
Molecular consequence: missense variant. On other transcripts: intron variant (1).
Genome position (GRCh38, 1-based): chr8:74,364,107, C>G. VCF-style: chr8-74364107-C-G. GRCh37 (hg19) VCF-style: chr8-75276342-C-G.
Other names: c.613C>G, p.Arg205Gly (NM_001040875.4); c.490C>G, p.Arg164Gly (NM_001362929.2, NM_001362932.2); c.643C>G, p.Arg215Gly (NM_001362930.2); c.694+1054C>G (NM_001362931.2); short protein forms R273G, R164G, R205G, R215G.
Identifiers: ClinVar variation 637110 (VCV000637110.47), dbSNP rs150989205, ClinGen allele CA371550318.
Genomic context (GRCh38, chr8:74,364,107, plus strand): 5'-GTCACATTGCATCGACTGAAGTTCCTGGGGTTTGCAAGGAGAAACTGGGGAAACGGAAAG[C>G]GACCAAACTTGGAAACCTATTACGAGCGTGTCTTGAAGAGAAAAACATTTAACAAGGTTT-3'
Protein context (NP_061845.2, residues 263-283): FARRNWGNGK[Arg273Gly]PNLETYYERV

ClinVar aggregate classification (germline): Uncertain significance. Review status: criteria provided, multiple submitters, no conflicts (2 of 4 stars). 5 submissions from 5 submitters: Uncertain significance (2). 3 of the submissions do not count toward it. Last evaluated 2021-06-01.

Conditions:
Tip-toe gait. Also called: Toe walking. Identifiers: MedGen C0427144, HP:0030051.
Charcot-Marie-Tooth disease. Also called: Charcot-Marie-Tooth Hereditary Neuropathy; Charcot-Marie-Tooth Neuropathy. Identifiers: Orphanet 166, MedGen C0007959, MONDO:0015626.
Charcot-Marie-Tooth disease type 4A. Also called: Charcot-Marie-Tooth disease, demyelinating, autosomal recessive, type 4a. Identifiers: Orphanet 99948, MedGen C1859198, MONDO:0008961, OMIM 214400.
Charcot-Marie-Tooth disease axonal type 2K (CMT2K). Also called: Charcot-Marie-Tooth disease type 2K; CHARCOT-MARIE-TOOTH DISEASE, AXONAL, AUTOSOMAL RECESSIVE, TYPE 2K; CHARCOT-MARIE-TOOTH NEUROPATHY, AXONAL, TYPE 2K. Identifiers: Orphanet 101097, Orphanet 99944, MedGen C1842983, MONDO:0011916, OMIM 607831.

Submissions (5):

CeGaT Center for Human Genetics Tuebingen
Classification: Uncertain significance. Last evaluated: 2021-06-01. Review status: criteria provided, single submitter. Criteria: CeGaT Center For Human Genetics Tuebingen Variant Classification Criteria Version 2. Collection method: clinical testing. Allele origin: germline. Affected: yes. Observed: 1 variant allele.

Labcorp Genetics (formerly Invitae), Labcorp
Classification: Uncertain significance for Charcot-Marie-Tooth disease type 4A. Last evaluated: 2019-11-12. Review status: criteria provided, single submitter. Criteria: Invitae Variant Classification Sherloc (09022015). Collection method: clinical testing. Allele origin: germline.
Comment: In summary, the available evidence is currently insufficient to determine the role of this variant in disease. Therefore, it has been classified as a Variant of Uncertain Significance. This sequence change replaces arginine with glycine at codon 273 of the GDAP1 protein (p.Arg273Gly). The arginine residue is highly conserved and there is a moderate physicochemical difference between arginine and glycine. This variant is not present in population databases (ExAC no frequency). This variant has been observed in an individual affected with Charcot-Marie-Tooth disease (PMID: 20232219). Algorithms developed to predict the effect of missense changes on protein structure and function are either unavailable or do not agree on the potential impact of this missense change (SIFT: "Tolerated"; PolyPhen-2: "Probably Damaging"; Align-GVGD: "Class C0").

Practice for Gait Abnormalities, David Pomarino, Competency Network Toe Walking C/o Practice Pomarino
Classification: Likely pathogenic for Tip-toe gait. Last evaluated: 2022-10-10. Review status: no assertion criteria provided. Collection method: clinical testing. Allele origin: germline. Affected: yes. Not counted in ClinVar's aggregate classification.
Comment: Hereditary motor sensory neuropathy (HMSN), also known as Charcot-Marie-Tooth Disease (CMT), is the most commonly inherited peripheral polyneuropathy. It constitutes a group of inherited, progressive, motor and sensory peripheral nerve disorders with properties of demyelination, axonal degeneration, or both. It is classified by clinical characteristics, modes of inheritance, electrophysiologic features, metabolic defects, and specific gene markers. Our patients all walk on tiptoe, so they show similar symptoms. When we genetically test them with our toe walking panel, we find that around 90 per cent of them have a genetic variant that explains their toe walking. These can be assigned, for example, to the area of myopathies (such as variants of the COL6A3 gene), the area of hereditary neuropathies (such as variants of the KMT2C gene) or the area of metabolic diseases (such as variants of the PYGM gene). In a smaller group of patients with almost identical symptoms, no abnormality is found in the genes of our panel, but spastic paraplegia can be detected. In another small group of our toe walkers, no abnormalities can be detected in the genes analysed in our toe walking panel, nor do they suffer from spastic paraplegia, as is also the case with healthy children. In contrast to these, however, they show a tiptoe gait. These patients suffer from infantile cerebral palsy, in which toe walking can also be observed.

Inherited Neuropathy Consortium Ii, University Of Miami
Classification: Uncertain significance for Charcot-Marie-Tooth disease axonal type 2K. Last evaluated: 2016-01-06. Review status: no assertion criteria provided. Collection method: literature only. Allele origin: germline. Affected: yes. Not counted in ClinVar's aggregate classification.

Inherited Neuropathy Consortium
Classification: Uncertain significance for Charcot-Marie-Tooth disease. Review status: no assertion criteria provided. Collection method: literature only. Allele origin: germline. Affected: yes. Not counted in ClinVar's aggregate classification.

Literature cited by the submitters: PubMed 20232219 (cited by 3 submitters); PubMed 37091313 (cited by Practice for Gait Abnormalities, David Pomarino, Competency Network Toe Walking C/o Practice Pomarino).